The following is an entry in ClinVar:

NM_021969.3(NR0B2):c.730G>C (p.Val244Leu)

Genes: NR0B2 (nuclear receptor subfamily 0 group B member 2; minus strand), NUDC (nuclear distribution C, dynein complex regulator; plus strand). Cytogenetic location: 1p36.11.
Variant type: single nucleotide variant.
Coding change: c.730G>C on transcript NM_021969.3 (MANE Select); coding-DNA position 730, G replaced by C.
Protein change: p.Val244Leu; replaces valine 244 with leucine.
Molecular consequence: missense variant.
Genome position (GRCh38, 1-based): chr1:26,911,889, C>G on the plus strand (G>C on the coding strand, the complement: NR0B2 is on the minus strand). VCF-style: chr1-26911889-C-G. GRCh37 (hg19) VCF-style: chr1-27238380-C-G.
Other names: short protein forms V244L.
Identifiers: ClinVar variation 3355003 (VCV003355003.1).

ClinVar aggregate classification (germline): Uncertain significance (0 of 4 stars; one submission).

Conditions:
NR0B2-related disorder. Also called: NR0B2-related condition.

Submission:

PreventionGenetics, part of Exact Sciences
Classification: Uncertain significance for NR0B2-related condition. Last evaluated: 2024-04-06. Review status: no assertion criteria provided. Collection method: clinical testing. Allele origin: germline.
Comment: The NR0B2 c.730G>C variant is predicted to result in the amino acid substitution p.Val244Leu. To our knowledge, this variant has not been reported in the literature or in a large population database, indicating this variant is rare. At this time, the clinical significance of this variant is uncertain due to the absence of conclusive functional and genetic evidence.